The following is an entry in ClinVar:

ClinVar aggregate classification (germline): Uncertain significance (1 of 4 stars; one submission).

Conditions:
Cardiovascular phenotype. Identifiers: MedGen CN230736.

Submission:

Ambry Genetics
Classification: Uncertain significance for Cardiovascular phenotype. Last evaluated: 2025-12-24. Review status: criteria provided, single submitter. Criteria: Ambry Variant Classification Scheme 2023. Collection method: clinical testing. Allele origin: germline.
Comment: The p.G3078S variant (also known as c.9232G>A), located in coding exon 65 of the RYR2 gene, results from a G to A substitution at nucleotide position 9232. The glycine at codon 3078 is replaced by serine, an amino acid with similar properties. This amino acid position is conserved. In addition, this alteration is predicted to be deleterious by in silico analysis. Based on the available evidence, the clinical significance of this variant remains unclear.

NM_001035.3(RYR2):c.9232G>A (p.Gly3078Ser)

Gene: RYR2 (ryanodine receptor 2; plus strand). Cytogenetic location: 1q43.
Variant type: single nucleotide variant.
Coding change: c.9232G>A on transcript NM_001035.3 (MANE Select); coding-DNA position 9232, G replaced by A.
Protein change: p.Gly3078Ser; replaces glycine 3078 with serine.
Molecular consequence: missense variant.
Genome position (GRCh38, 1-based): chr1:237,700,332, G>A. VCF-style: chr1-237700332-G-A. GRCh37 (hg19) VCF-style: chr1-237863632-G-A.
Other names: short protein forms G3078S.
Identifiers: ClinVar variation 4843936 (VCV004843936.1).